The following is an entry in ClinVar:

NM_001267550.2(TTN):c.84643A>T (p.Lys28215Ter)

Genes: TTN (titin; minus strand), TTN-AS1 (TTN antisense RNA 1; plus strand). Cytogenetic location: 2q31.2.
Variant type: single nucleotide variant.
Coding change: c.84643A>T on transcript NM_001267550.2 (MANE Select); coding-DNA position 84643, A replaced by T.
Protein change: p.Lys28215Ter; replaces lysine 28215 with a stop codon.
Molecular consequence: nonsense.
Genome position (GRCh38, 1-based): chr2:178,561,489, T>A on the plus strand (A>T on the coding strand, the complement: TTN is on the minus strand). VCF-style: chr2-178561489-T-A. GRCh37 (hg19) VCF-style: chr2-179426216-T-A.
Other names: c.79720A>T, p.Lys26574Ter (NM_001256850.1); c.57448A>T, p.Lys19150Ter (NM_003319.4); c.76939A>T, p.Lys25647Ter (NM_133378.4); c.57823A>T, p.Lys19275Ter (NM_133432.3); c.58024A>T, p.Lys19342Ter (NM_133437.4); short protein forms K19275*, K19342*, K26574*, K19150*, K28215*, K25647*.
Identifiers: ClinVar variation 1495565 (VCV001495565.10), dbSNP rs2154159715, ClinGen allele CA349558808.

ClinVar aggregate classification (germline): Likely pathogenic. Review status: criteria provided, multiple submitters, no conflicts (2 of 4 stars). 2 submissions from 2 submitters: Likely pathogenic (2). Last evaluated 2023-10-11.

Conditions:
Cardiovascular phenotype. Identifiers: MedGen CN230736.
Dilated cardiomyopathy 1G (CMD1G). Identifiers: Orphanet 154, MedGen C1858763, MONDO:0011400, OMIM 604145.
Autosomal recessive limb-girdle muscular dystrophy type 2J (LGMDR10). Also called: Limb-girdle muscular dystrophy, type 2J; MUSCULAR DYSTROPHY, LIMB-GIRDLE, AUTOSOMAL RECESSIVE 10. Identifiers: Orphanet 140922, MedGen C1837342, MONDO:0012127, OMIM 608807.

Submissions (2):

Labcorp Genetics (formerly Invitae), Labcorp
Classification: Likely pathogenic for Dilated cardiomyopathy 1G; Autosomal recessive limb-girdle muscular dystrophy type 2J. Last evaluated: 2023-10-11. Review status: criteria provided, single submitter. Criteria: Invitae Variant Classification Sherloc (09022015). Collection method: clinical testing. Allele origin: germline.
Comment: This sequence change creates a premature translational stop signal (p.Lys28215*) in the TTN gene. While this is not anticipated to result in nonsense mediated decay, it is expected to create a truncated TTN protein. This variant is not present in population databases (gnomAD no frequency). This variant has not been reported in the literature in individuals affected with TTN-related conditions. ClinVar contains an entry for this variant (Variation ID: 1495565). This variant is located in the A band of TTN (PMID: 25589632). Truncating variants in this region are significantly overrepresented in patients affected with dilated cardiomyopathy (PMID: 25589632). Truncating variants in this region have also been reported in individuals affected with autosomal recessive centronuclear myopathy (PMID: 23975875). In summary, the currently available evidence indicates that the variant is pathogenic, but additional data are needed to prove that conclusively. Therefore, this variant has been classified as Likely Pathogenic.

Ambry Genetics
Classification: Likely pathogenic for Cardiovascular phenotype. Last evaluated: 2023-02-23. Review status: criteria provided, single submitter. Criteria: Ambry Variant Classification Scheme 2023. Collection method: clinical testing. Allele origin: germline.
Comment: The p.K19150* variant (also known as c.57448A>T), located in coding exon 153 of the TTN gene, results from an A to T substitution at nucleotide position 57448. This changes the amino acid from a lysine to a stop codon within coding exon 153. This exon is located in the A-band region of the N2-B isoform of the titin protein and is constitutively expressed in TTN transcripts (percent spliced in or PSI 100%). This variant is considered to be rare based on population cohorts in the Genome Aggregation Database (gnomAD). This alteration is expected to result in loss of function by premature protein truncation or nonsense-mediated mRNA decay. While truncating variants in TTN are present in 1-3% of the general population, truncating variants in the A-band are the most common cause of dilated cardiomyopathy (DCM) (Herman DS et al. N. Engl. J. Med., 2012 Feb;366:619-28; Roberts AM et al. Sci Transl Med, 2015 Jan;7:270ra6). TTN truncating variants encoded in constitutive exons (PSI >90%) have been found to be significantly associated with DCM regardless of their position in titin (Schafer S et al. Nat. Genet., 2017 01;49:46-53). As such, this alteration is classified as likely pathogenic.

Literature cited by the submitters: PubMed 25589632 (cited by Labcorp Genetics (formerly Invitae), Labcorp); PubMed 23975875 (cited by Labcorp Genetics (formerly Invitae), Labcorp).